The following is an entry in ClinVar:

ClinVar aggregate classification (germline): Uncertain significance. Review status: criteria provided, multiple submitters, no conflicts (2 of 4 stars). 3 submissions from 3 submitters: Uncertain significance (3). Last evaluated 2023-10-01.

Conditions:
Retinal dystrophy. Also called: Inherited retinal dystrophy. Identifiers: Orphanet 71862, MedGen C0854723, MeSH D058499, MONDO:0019118, HP:0000556.

Allele frequency attached by ClinVar (database versions not stated): gnomAD 0.00001; gnomAD exomes 0.00001 and 0.00003; TOPMed 0.00001; ExAC 0.00002; ESP Exome Variant Server 0.00015.
gnomAD v4.1: 23 of 1,613,758 alleles (0.0014%); highest among the groups gnomAD compares: Non-Finnish European, 0.00042%; no homozygotes.

Submissions (3):

Dept Of Ophthalmology, Nagoya University
Classification: Uncertain significance for Retinal dystrophy. Last evaluated: 2023-10-01. Review status: criteria provided, single submitter. Criteria: Submitter's publication. Collection method: research. Allele origin: germline. Affected: yes.

Blueprint Genetics
Classification: Uncertain significance. Last evaluated: 2022-06-24. Review status: criteria provided, single submitter. Criteria: ACMG Guidelines, 2015. Collection method: clinical testing. Allele origin: germline.

Labcorp Genetics (formerly Invitae), Labcorp
Classification: Uncertain significance. Last evaluated: 2021-08-30. Review status: criteria provided, single submitter. Criteria: Invitae Variant Classification Sherloc (09022015). Collection method: clinical testing. Allele origin: germline.
Comment: This sequence change replaces arginine with cysteine at codon 293 of the MERTK protein (p.Arg293Cys). The arginine residue is weakly conserved and there is a large physicochemical difference between arginine and cysteine. This variant is present in population databases (rs369655379, ExAC 0.02%). This variant has not been reported in the literature in individuals affected with MERTK-related conditions. Algorithms developed to predict the effect of missense changes on protein structure and function (SIFT, PolyPhen-2, Align-GVGD) all suggest that this variant is likely to be tolerated. In summary, the available evidence is currently insufficient to determine the role of this variant in disease. Therefore, it has been classified as a Variant of Uncertain Significance.

NM_006343.3(MERTK):c.877C>T (p.Arg293Cys)

Gene: MERTK (MER proto-oncogene, tyrosine kinase; plus strand). Cytogenetic location: 2q13.
Variant type: single nucleotide variant.
Coding change: c.877C>T on transcript NM_006343.3 (MANE Select); coding-DNA position 877, C replaced by T.
Protein change: p.Arg293Cys; replaces arginine 293 with cysteine.
Molecular consequence: missense variant.
Genome position (GRCh38, 1-based): chr2:111,968,169, C>T. VCF-style: chr2-111968169-C-T. GRCh37 (hg19) VCF-style: chr2-112725746-C-T.
Other names: short protein forms R293C.
Identifiers: ClinVar variation 1035770 (VCV001035770.8), dbSNP rs369655379, ClinGen allele CA1831219.